The following is an entry in ClinVar:

NM_001330078.2(NRXN1):c.2302C>T (p.Arg768Cys)

Gene: NRXN1 (neurexin 1; minus strand). Cytogenetic location: 2p16.3.
Variant type: single nucleotide variant.
Coding change: c.2302C>T on transcript NM_001330078.2 (MANE Select); coding-DNA position 2302, C replaced by T.
Protein change: p.Arg768Cys; replaces arginine 768 with cysteine.
Molecular consequence: missense variant.
Genome position (GRCh38, 1-based): chr2:50,531,272, G>A on the plus strand (C>T on the coding strand, the complement: NRXN1 is on the minus strand). VCF-style: chr2-50531272-G-A. GRCh37 (hg19) VCF-style: chr2-50758410-G-A.
Other names: c.2422C>T, p.Arg808Cys (NM_001135659.3); c.2278C>T, p.Arg760Cys (NM_001330077.2, NM_001330082.2, NM_001330095.2); c.2263C>T, p.Arg755Cys (NM_001330083.2, NM_001330084.2); c.2302C>T, p.Arg768Cys (NM_001330085.2, NM_001330086.2, NM_004801.6); c.2218C>T, p.Arg740Cys (NM_001330087.2, NM_001330096.2); c.2248C>T, p.Arg750Cys (NM_001330088.2); c.2299C>T, p.Arg767Cys (NM_001330093.2); c.2290C>T, p.Arg764Cys (NM_001330094.2); short protein forms R750C, R767C, R808C, R755C, R760C, R768C, R740C, R764C.
Identifiers: ClinVar variation 1372076 (VCV001372076.6), dbSNP rs1366339567, ClinGen allele CA346769487.

ClinVar aggregate classification (germline): Uncertain significance (1 of 4 stars; one submission).

Conditions:
Pitt-Hopkins-like syndrome 2 (PTHSL2). Identifiers: Orphanet 221150, Orphanet 600663, MedGen C3280479, MONDO:0013690, OMIM 614325.

Allele frequency attached by ClinVar (database versions not stated): gnomAD exomes below 0.00001 and 0.00001.
gnomAD v4.1: 4 of 1,613,540 alleles (0.00025%); highest among the groups gnomAD compares: East Asian, 0.0022%; no homozygotes.

Submission:

Labcorp Genetics (formerly Invitae), Labcorp
Classification: Uncertain significance for Pitt-Hopkins-like syndrome 2. Last evaluated: 2023-10-03. Review status: criteria provided, single submitter. Criteria: Invitae Variant Classification Sherloc (09022015). Collection method: clinical testing. Allele origin: germline.
Comment: This sequence change replaces arginine, which is basic and polar, with cysteine, which is neutral and slightly polar, at codon 808 of the NRXN1 protein (p.Arg808Cys). This variant is present in population databases (no rsID available, gnomAD 0.003%). This variant has not been reported in the literature in individuals affected with NRXN1-related conditions. ClinVar contains an entry for this variant (Variation ID: 1372076). An algorithm developed to predict the effect of missense changes on protein structure and function (PolyPhen-2) suggests that this variant is likely to be disruptive. In summary, the available evidence is currently insufficient to determine the role of this variant in disease. Therefore, it has been classified as a Variant of Uncertain Significance.